The following is an entry in ClinVar:

NM_017534.6(MYH2):c.2332C>T (p.Leu778Phe)

Genes: MYH2 (myosin heavy chain 2; minus strand), MYHAS (myosin heavy chain gene cluster antisense RNA; plus strand). Cytogenetic location: 17p13.1.
Variant type: single nucleotide variant.
Coding change: c.2332C>T on transcript NM_017534.6 (MANE Select); coding-DNA position 2332, C replaced by T.
Protein change: p.Leu778Phe; replaces leucine 778 with phenylalanine.
Molecular consequence: missense variant.
Genome position (GRCh38, 1-based): chr17:10,533,394, G>A on the plus strand (C>T on the coding strand, the complement: MYH2 is on the minus strand). VCF-style: chr17-10533394-G-A. GRCh37 (hg19) VCF-style: chr17-10436711-G-A.
Other names: c.2332C>T, p.Leu778Phe (NM_001100112.2); short protein forms L778F.
Identifiers: ClinVar variation 971552 (VCV000971552.9), dbSNP rs751563313, ClinGen allele CA8391151.

ClinVar aggregate classification (germline): Uncertain significance. Review status: criteria provided, multiple submitters, no conflicts (2 of 4 stars). 2 submissions from 2 submitters: Uncertain significance (2). Last evaluated 2025-03-18.

Conditions:
Inborn genetic diseases. Identifiers: MedGen C0950123, MeSH D030342.
Myopathy, proximal, and ophthalmoplegia (CMYO6). Also called: INCLUSION BODY MYOPATHY 3, AUTOSOMAL DOMINANT; MYOPATHY WITH CONGENITAL JOINT CONTRACTURES, OPHTHALMOPLEGIA, AND RIMMED VACUOLES; CONGENITAL MYOPATHY 6 WITH OPHTHALMOPLEGIA. Identifiers: Orphanet 363677, Orphanet 79091, MedGen C1854106, MONDO:0011577, OMIM 605637.

Allele frequency attached by ClinVar (database versions not stated): gnomAD exomes 0.00001 and 0.00002; ExAC 0.00004; gnomAD 0.00018 and 0.00020; TOPMed 0.00018.
gnomAD v4.1: 42 of 1,614,062 alleles (0.0026%); highest among the groups gnomAD compares: African/African-American, 0.032%; no homozygotes.

Submissions (2):

Labcorp Genetics (formerly Invitae), Labcorp
Classification: Uncertain significance for Myopathy, proximal, and ophthalmoplegia. Last evaluated: 2025-03-18. Review status: criteria provided, single submitter. Criteria: Invitae Variant Classification Sherloc (09022015). Collection method: clinical testing. Allele origin: germline.
Comment: This sequence change replaces leucine, which is neutral and non-polar, with phenylalanine, which is neutral and non-polar, at codon 778 of the MYH2 protein (p.Leu778Phe). This variant is present in population databases (rs751563313, gnomAD 0.02%). This variant has not been reported in the literature in individuals affected with MYH2-related conditions. ClinVar contains an entry for this variant (Variation ID: 971552). Invitae Evidence Modeling of protein sequence and biophysical properties (such as structural, functional, and spatial information, amino acid conservation, physicochemical variation, residue mobility, and thermodynamic stability) indicates that this missense variant is not expected to disrupt MYH2 protein function with a negative predictive value of 80%. In summary, the available evidence is currently insufficient to determine the role of this variant in disease. Therefore, it has been classified as a Variant of Uncertain Significance.

Ambry Genetics
Classification: Uncertain significance for Inborn genetic diseases. Last evaluated: 2024-05-09. Review status: criteria provided, single submitter. Criteria: Ambry Variant Classification Scheme 2023. Collection method: clinical testing. Allele origin: germline.